The following is an entry in ClinVar:

NM_022132.5(MCCC2):c.904-5T>A

Gene: MCCC2 (methylcrotonyl-CoA carboxylase subunit 2; plus strand). Cytogenetic location: 5q13.2.
Variant type: single nucleotide variant.
Coding change: c.904-5T>A on transcript NM_022132.5 (MANE Select); 5 bases into the intron before coding-DNA position 904, T replaced by A.
Molecular consequence: intron variant.
Genome position (GRCh38, 1-based): chr5:71,635,146, T>A. VCF-style: chr5-71635146-T-A. GRCh37 (hg19) VCF-style: chr5-70930973-T-A.
Other names: c.790-5T>A (NM_001363147.1).
Identifiers: ClinVar variation 1369794 (VCV001369794.8), dbSNP rs753258629, ClinGen allele CA3297929.

ClinVar aggregate classification (germline): Uncertain significance (1 of 4 stars; one submission).

Conditions:
3-methylcrotonyl-CoA carboxylase 2 deficiency. Also called: METHYLCROTONYLGLYCINURIA, TYPE II; 3 alpha methylcrotonyl-CoA carboxylase 2 deficiency; 3 alpha methylcrotonylglycinuria 2; MCC 2 deficiency; Methylcrotonylglycinuria type 2. Identifiers: Orphanet 6, MedGen C1859499, MONDO:0008862, OMIM 210210.

Allele frequency attached by ClinVar (database versions not stated): gnomAD exomes below 0.00001; ExAC 0.00001; gnomAD 0.00001.
gnomAD v4.1: 3 of 1,614,002 alleles (0.00019%); highest among the groups gnomAD compares: African/African-American, 0.0013%; no homozygotes.

Submission:

Labcorp Genetics (formerly Invitae), Labcorp
Classification: Uncertain significance for 3-methylcrotonyl-CoA carboxylase 2 deficiency. Last evaluated: 2021-06-04. Review status: criteria provided, single submitter. Criteria: Invitae Variant Classification Sherloc (09022015). Collection method: clinical testing. Allele origin: germline.
Comment: This sequence change falls in intron 9 of the MCCC2 gene. It does not directly change the encoded amino acid sequence of the MCCC2 protein. This variant is present in population databases (rs753258629, ExAC 0.001%). This variant has not been reported in the literature in individuals with MCCC2-related conditions. Algorithms developed to predict the effect of sequence changes on RNA splicing suggest that this variant may disrupt the consensus splice site, but this prediction has not been confirmed by published transcriptional studies. In summary, the available evidence is currently insufficient to determine the role of this variant in disease. Therefore, it has been classified as a Variant of Uncertain Significance.